The following is an entry in ClinVar:

NM_015662.3(IFT172):c.2702A>G (p.Tyr901Cys)

Genes: IFT172 (intraflagellar transport 172; minus strand), LOC126806174 (CDK7 strongly-dependent group 2 enhancer GRCh37_chr2:27681686-27682885; plus strand). Cytogenetic location: 2p23.3.
Variant type: single nucleotide variant.
Coding change: c.2702A>G on transcript NM_015662.3 (MANE Select); coding-DNA position 2702, A replaced by G.
Protein change: p.Tyr901Cys; replaces tyrosine 901 with cysteine.
Molecular consequence: missense variant.
Genome position (GRCh38, 1-based): chr2:27,459,463, T>C on the plus strand (A>G on the coding strand, the complement: IFT172 is on the minus strand). VCF-style: chr2-27459463-T-C. GRCh37 (hg19) VCF-style: chr2-27682330-T-C.
Other names: c.2702A>G (NM_015662.2); c.2636A>G, p.Tyr879Cys (NM_001410739.1); short protein forms Y901C, Y879C.
Identifiers: ClinVar variation 4273857 (VCV004273857.3).
Genomic context (GRCh38, chr2:27,459,463, plus strand): 5'-TGTTGGGCCACGAGAGGATAGTATTTGGATGCAGTGTTCCGGTCCTGTAGATCTAATATA[T>C]AAATTGCCTTCTTCCACTGGCGGGCACCCAGGGCGGCCTCAATTGCCTTAATGGAGCACC-3'
Protein context (NP_056477.1, residues 891-911): LGARQWKKAI[Tyr901Cys]ILDLQDRNTA

ClinVar aggregate classification (germline): Uncertain significance. Review status: criteria provided, multiple submitters, no conflicts (2 of 4 stars). 3 submissions from 3 submitters: Uncertain significance (3). Last evaluated 2026-05-15.

Conditions:
Inborn genetic diseases. Identifiers: MedGen C0950123, MeSH D030342.
IFT172-related disorder. Also called: IFT172-related condition; IFT172-related disorders.

gnomAD v4.1: 4 of 1,614,104 alleles (0.00025%); highest among the groups gnomAD compares: Admixed American, 0.0067%; no homozygotes.

Submissions (3):

PreventionGenetics, part of Exact Sciences
Classification: Uncertain significance for IFT172-related condition. Last evaluated: 2026-05-15. Review status: criteria provided, single submitter. Criteria: ACMG Guidelines, 2015. Collection method: clinical testing. Allele origin: germline.
Comment: The IFT172 c.2702A>G variant is predicted to result in the amino acid substitution p.Tyr901Cys. To our knowledge, this variant has not been reported in the literature. This variant is reported in 0.0029% of alleles in individuals of Latino descent in gnomAD. At this time, the clinical significance of this variant is uncertain due to the absence of conclusive functional and genetic evidence.

Ambry Genetics
Classification: Uncertain significance for Inborn genetic diseases. Last evaluated: 2025-06-16. Review status: criteria provided, single submitter. Criteria: Ambry Variant Classification Scheme 2023. Collection method: clinical testing. Allele origin: germline.

Blueprint Genetics
Classification: Uncertain significance. Last evaluated: 2021-10-15. Review status: criteria provided, single submitter. Criteria: ACMG Guidelines, 2015. Collection method: clinical testing. Allele origin: germline.